The following is an entry in ClinVar:

ClinVar aggregate classification (germline): Conflicting classifications of pathogenicity. Review status: criteria provided, conflicting classifications (1 of 4 stars). 3 submissions from 3 submitters: Uncertain significance (2); Likely benign (1). Last evaluated 2024-12-17.

Conditions:
Hereditary cancer-predisposing syndrome. Also called: Tumor predisposition; Hereditary Cancer Syndrome; Neoplastic Syndromes, Hereditary; Hereditary neoplastic syndrome. Identifiers: Orphanet 140162, MedGen C0027672, MeSH D009386, MONDO:0015356.

Submissions (3):

Ambry Genetics
Classification: Likely benign for Hereditary cancer-predisposing syndrome. Last evaluated: 2024-12-17. Review status: criteria provided, single submitter. Criteria: Ambry Variant Classification Scheme 2023. Collection method: clinical testing. Allele origin: germline.

Labcorp Genetics (formerly Invitae), Labcorp
Classification: Uncertain significance. Last evaluated: 2024-10-25. Review status: criteria provided, single submitter. Criteria: Invitae Variant Classification Sherloc (09022015). Collection method: clinical testing. Allele origin: germline.
Comment: This sequence change replaces proline, which is neutral and non-polar, with glutamine, which is neutral and polar, at codon 1205 of the POLE protein (p.Pro1205Gln). This variant is not present in population databases (gnomAD no frequency). This variant has not been reported in the literature in individuals affected with POLE-related conditions. ClinVar contains an entry for this variant (Variation ID: 619901). Invitae Evidence Modeling of protein sequence and biophysical properties (such as structural, functional, and spatial information, amino acid conservation, physicochemical variation, residue mobility, and thermodynamic stability) indicates that this missense variant is not expected to disrupt POLE protein function with a negative predictive value of 80%. In summary, the available evidence is currently insufficient to determine the role of this variant in disease. Therefore, it has been classified as a Variant of Uncertain Significance.

Quest Diagnostics Nichols Institute San Juan Capistrano
Classification: Uncertain significance. Last evaluated: 2017-09-07. Review status: criteria provided, single submitter. Criteria: Quest Diagnostics criteria. Collection method: clinical testing. Allele origin: germline.

NM_006231.4(POLE):c.3614C>A (p.Pro1205Gln)

Gene: POLE (DNA polymerase epsilon, catalytic subunit; minus strand). Cytogenetic location: 12q24.33.
Variant type: single nucleotide variant.
Coding change: c.3614C>A on transcript NM_006231.4 (MANE Select); coding-DNA position 3614, C replaced by A.
Protein change: p.Pro1205Gln; replaces proline 1205 with glutamine.
Molecular consequence: missense variant.
Genome position (GRCh38, 1-based): chr12:132,649,858, G>T on the plus strand (C>A on the coding strand, the complement: POLE is on the minus strand). VCF-style: chr12-132649858-G-T. GRCh37 (hg19) VCF-style: chr12-133226444-G-T.
Other names: c.3614C>A (NM_006231.2); short protein forms P1205Q.
Identifiers: ClinVar variation 619901 (VCV000619901.10), dbSNP rs772686048, ClinGen allele CA387386976.